The following is an entry in ClinVar:

ClinVar aggregate classification (germline): Likely benign. Review status: criteria provided, multiple submitters, no conflicts (2 of 4 stars). 3 submissions from 3 submitters: Likely benign (2). 1 of the submissions does not count toward it. Last evaluated 2026-01-23.

Conditions:
TFRC-related disorder. Also called: TFRC-related condition.

Allele frequency attached by ClinVar (database versions not stated): gnomAD exomes 0.00002 and 0.00006; ExAC 0.00011; TOPMed 0.00031; ESP Exome Variant Server 0.00038; 1000 Genomes Project 0.00040; 1000 Genomes Project 30x 0.00062.
gnomAD v4.1: 81 of 1,613,506 alleles (0.005%); highest among the groups gnomAD compares: African/African-American, 0.08%; no homozygotes.

Submissions (3):

Women's Health and Genetics/Laboratory Corporation of America, LabCorp
Classification: Likely benign. Last evaluated: 2026-01-23. Review status: criteria provided, single submitter. Criteria: LabCorp Variant Classification Summary - May 2015. Collection method: clinical testing. Allele origin: germline.

Labcorp Genetics (formerly Invitae), Labcorp
Classification: Likely benign. Last evaluated: 2025-07-31. Review status: criteria provided, single submitter. Criteria: Invitae Variant Classification Sherloc (09022015). Collection method: clinical testing. Allele origin: germline.

PreventionGenetics, part of Exact Sciences
Classification: Likely benign for TFRC-related condition. Last evaluated: 2023-10-18. Review status: no assertion criteria provided. Collection method: clinical testing. Allele origin: germline. Not counted in ClinVar's aggregate classification.
Comment: This variant is classified as likely benign based on ACMG/AMP sequence variant interpretation guidelines (Richards et al. 2015 PMID: 25741868, with internal and published modifications).

NM_001128148.3(TFRC):c.456T>C (p.Tyr152=)

Gene: TFRC (transferrin receptor; minus strand). Cytogenetic location: 3q29.
Variant type: single nucleotide variant.
Coding change: c.456T>C on transcript NM_001128148.3 (MANE Select); coding-DNA position 456, T replaced by C.
Protein change: p.Tyr152=; no amino-acid change (tyrosine 152 retained).
Molecular consequence: synonymous variant. On other transcripts: 5 prime UTR variant (1).
Genome position (GRCh38, 1-based): chr3:196,072,131, A>G on the plus strand (T>C on the coding strand, the complement: TFRC is on the minus strand). VCF-style: chr3-196072131-A-G. GRCh37 (hg19) VCF-style: chr3-195799002-A-G.
Other names: c.213T>C, p.Tyr71= (NM_001313965.2); c.-391T>C (NM_001313966.2); c.456T>C, p.Tyr152= (NM_003234.4); c.456T>C (NM_003234.3).
Identifiers: ClinVar variation 1591457 (VCV001591457.11), dbSNP rs141028456, ClinGen allele CA2778295.